The following is an entry in ClinVar:

ClinVar aggregate classification (germline): Likely pathogenic (1 of 4 stars; one submission).

Submission:

GeneDx
Classification: Likely pathogenic. Last evaluated: 2019-02-08. Review status: criteria provided, single submitter. Criteria: GeneDx Variant Classification (06012015). Collection method: clinical testing. Allele origin: germline. Affected: yes.
Comment: The c.2206_2216del11insC variant has not been published as a pathogenic variant, nor has it been reported as a benign variant to our knowledge. The variant is not observed in large population cohorts (Lek et al., 2016). It causes a frameshift starting with codon Serine 736, changes this amino acid to a Histidine residue and creates a premature Stop codon at position 14 of the new reading frame, denoted p.Ser736HisfsX14. This variant is predicted to cause loss of normal protein function either through protein truncation or nonsense-mediated mRNA decay. We interpret this variant as likely pathogenic.

NM_001145026.2(PTPRQ):c.2206_2216delinsC (p.Ser736fs)

Gene: PTPRQ (protein tyrosine phosphatase receptor type Q; plus strand). Cytogenetic location: 12q21.31.
Variant type: Indel.
Coding change: c.2206_2216delinsC on transcript NM_001145026.2 (MANE Select); coding-DNA positions 2206 to 2216, TCTTACACCAG replaced by C.
Protein change: p.Ser736fs; shifts the reading frame from serine 736.
Molecular consequence: frameshift variant.
Genome position (GRCh38, 1-based): chr12:80,496,465-80,496,475, TCTTACACCAG replaced by C. VCF-style: chr12-80496465-TCTTACACCAG-C. GRCh37 (hg19) VCF-style: chr12-80890244-TCTTACACCAG-C.
Other names: short protein forms S736fs.
Identifiers: ClinVar variation 818011 (VCV000818011.1), dbSNP rs1592582910, ClinGen allele CA915946665.
Genomic context (GRCh38, chr12:80,496,465, plus strand): 5'-ACAACAGACATAATATTAAGGAACTTAAGACCTCACACCCTCTATAACATTTCTGTAAGG[TCTTACACCAG>C]ATTTGGTCATGGCAATCAGGTATCTTCTTTACTCTCTGTAAGGACTTCGGAGACTGGTGA-3'